The following is an entry in ClinVar:

NM_021098.3(CACNA1H):c.6794G>A (p.Ser2265Asn)

Gene: CACNA1H (calcium voltage-gated channel subunit alpha1 H; plus strand). Cytogenetic location: 16p13.3.
Variant type: single nucleotide variant.
Coding change: c.6794G>A on transcript NM_021098.3 (MANE Select); coding-DNA position 6794, G replaced by A.
Protein change: p.Ser2265Asn; replaces serine 2265 with asparagine.
Molecular consequence: missense variant.
Genome position (GRCh38, 1-based): chr16:1,220,726, G>A. VCF-style: chr16-1220726-G-A. GRCh37 (hg19) VCF-style: chr16-1270726-G-A.
Other names: c.6776G>A, p.Ser2259Asn (NM_001005407.2); short protein forms S2259N, S2265N.
Identifiers: ClinVar variation 2141902 (VCV002141902.4), dbSNP rs2548739726, ClinGen allele CA394150685.

ClinVar aggregate classification (germline): Uncertain significance (1 of 4 stars; one submission).

Conditions:
Idiopathic generalized epilepsy. Also called: EIG; Generalised epilepsy. Identifiers: MedGen C0270850, MONDO:0005579, OMIM 600669.
Hyperaldosteronism, familial, type IV (HALD4). Also called: FH IV; ALDOSTERONISM, PRIMARY, AND HYPERTENSION. Identifiers: Orphanet 642671, MedGen C4310756, MONDO:0014875, OMIM 617027.

Allele frequency attached by ClinVar (database versions not stated): gnomAD exomes 0.00001.
gnomAD v4.1: 14 of 1,612,374 alleles (0.00087%); highest among the groups gnomAD compares: Non-Finnish European, 0.0012%; no homozygotes.

Submission:

Labcorp Genetics (formerly Invitae), Labcorp
Classification: Uncertain significance for Idiopathic generalized epilepsy; Hyperaldosteronism, familial, type IV. Last evaluated: 2023-08-04. Review status: criteria provided, single submitter. Criteria: Invitae Variant Classification Sherloc (09022015). Collection method: clinical testing. Allele origin: germline.
Comment: Advanced modeling of protein sequence and biophysical properties (such as structural, functional, and spatial information, amino acid conservation, physicochemical variation, residue mobility, and thermodynamic stability) performed at Invitae indicates that this missense variant is not expected to disrupt CACNA1H protein function. This sequence change replaces serine, which is neutral and polar, with asparagine, which is neutral and polar, at codon 2265 of the CACNA1H protein (p.Ser2265Asn). This variant is not present in population databases (gnomAD no frequency). This variant has not been reported in the literature in individuals affected with CACNA1H-related conditions. ClinVar contains an entry for this variant (Variation ID: 2141902). In summary, the available evidence is currently insufficient to determine the role of this variant in disease. Therefore, it has been classified as a Variant of Uncertain Significance.